The following is an entry in ClinVar:

NM_014141.6(CNTNAP2):c.260T>C (p.Val87Ala)

Gene: CNTNAP2 (contactin associated protein 2; plus strand). Cytogenetic location: 7q35.
Variant type: single nucleotide variant.
Coding change: c.260T>C on transcript NM_014141.6 (MANE Select); coding-DNA position 260, T replaced by C.
Protein change: p.Val87Ala; replaces valine 87 with alanine.
Molecular consequence: missense variant.
Genome position (GRCh38, 1-based): chr7:146,839,762, T>C. VCF-style: chr7-146839762-T-C. GRCh37 (hg19) VCF-style: chr7-146536854-T-C.
Other names: short protein forms V87A.
Identifiers: ClinVar variation 1793787 (VCV001793787.2), dbSNP rs959760003, ClinGen allele CA168652897.

ClinVar aggregate classification (germline): Uncertain significance (1 of 4 stars; one submission).

Conditions:
Inborn genetic diseases. Identifiers: MedGen C0950123, MeSH D030342.

Submission:

Ambry Genetics
Classification: Uncertain significance for Inborn genetic diseases. Last evaluated: 2019-06-07. Review status: criteria provided, single submitter. Criteria: Ambry Variant Classification Scheme 2023. Collection method: clinical testing. Allele origin: germline.
Comment: The p.V87A variant (also known as c.260T>C), located in coding exon 3 of the CNTNAP2 gene, results from a T to C substitution at nucleotide position 260. The valine at codon 87 is replaced by alanine, an amino acid with similar properties. This amino acid position is well conserved in available vertebrate species. In addition, this alteration is predicted to be deleterious by in silico analysis. Since supporting evidence is limited at this time, the clinical significance of this alteration remains unclear.